The following is an entry in ClinVar:

ClinVar aggregate classification (germline): Uncertain significance (1 of 4 stars; one submission).

Conditions:
Acrocallosal syndrome (ACLS). Also called: HALLUX DUPLICATION, POSTAXIAL POLYDACTYLY, AND ABSENCE OF CORPUS CALLOSUM; Schinzel syndrome 1; Absence of corpus callosum with unusual facial appearance, mental deficiency, duplication of the halluces and polydactyly. Identifiers: Orphanet 36, MedGen C0796147, MONDO:0008708, OMIM 200990.

Allele frequency attached by ClinVar (database versions not stated): gnomAD exomes below 0.00001.
gnomAD v4.1: 1 of 1,532,192 alleles (0.000065%); highest among the groups gnomAD compares: East Asian, 0.0025%; no homozygotes.

Submission:

Labcorp Genetics (formerly Invitae), Labcorp
Classification: Uncertain significance for Acrocallosal syndrome. Last evaluated: 2021-09-23. Review status: criteria provided, single submitter. Criteria: Invitae Variant Classification Sherloc (09022015). Collection method: clinical testing. Allele origin: germline.
Comment: The frequency data for this variant in the population databases is considered unreliable, as metrics indicate insufficient coverage at this position in the ExAC database. This sequence change replaces serine with threonine at codon 214 of the KIF7 protein (p.Ser214Thr). The serine residue is weakly conserved and there is a small physicochemical difference between serine and threonine. This variant has not been reported in the literature in individuals with KIF7-related conditions. Algorithms developed to predict the effect of missense changes on protein structure and function are either unavailable or do not agree on the potential impact of this missense change (SIFT: "Deleterious"; PolyPhen-2: "Possibly Damaging"; Align-GVGD: "Class C0"). In summary, the available evidence is currently insufficient to determine the role of this variant in disease. Therefore, it has been classified as a Variant of Uncertain Significance.

NM_198525.3(KIF7):c.640T>A (p.Ser214Thr)

Gene: KIF7 (kinesin family member 7; minus strand). Cytogenetic location: 15q26.1.
Variant type: single nucleotide variant.
Coding change: c.640T>A on transcript NM_198525.3 (MANE Select); coding-DNA position 640, T replaced by A.
Protein change: p.Ser214Thr; replaces serine 214 with threonine.
Molecular consequence: missense variant.
Genome position (GRCh38, 1-based): chr15:89,649,257, A>T on the plus strand (T>A on the coding strand, the complement: KIF7 is on the minus strand). VCF-style: chr15-89649257-A-T. GRCh37 (hg19) VCF-style: chr15-90192488-A-T.
Other names: short protein forms S214T.
Identifiers: ClinVar variation 1462757 (VCV001462757.8), dbSNP rs1333950635, ClinGen allele CA393775846.